The following is an entry in ClinVar:

NM_020778.5(ALPK3):c.925A>T (p.Lys309Ter)

Gene: ALPK3 (alpha kinase 3; plus strand). Cytogenetic location: 15q25.3.
Variant type: single nucleotide variant.
Coding change: c.925A>T on transcript NM_020778.5 (MANE Select); coding-DNA position 925, A replaced by T.
Protein change: p.Lys309Ter; replaces lysine 309 with a stop codon.
Molecular consequence: nonsense.
Genome position (GRCh38, 1-based): chr15:84,840,204, A>T. VCF-style: chr15-84840204-A-T. GRCh37 (hg19) VCF-style: chr15-85383435-A-T.
Other names: short protein forms K309*.
Identifiers: ClinVar variation 4719160 (VCV004719160.1).

ClinVar aggregate classification (germline): Pathogenic (1 of 4 stars; one submission).

Submission:

Labcorp Genetics (formerly Invitae), Labcorp
Classification: Pathogenic. Last evaluated: 2025-05-07. Review status: criteria provided, single submitter. Criteria: Invitae Variant Classification Sherloc (09022015). Collection method: clinical testing. Allele origin: germline.
Comment: This sequence change creates a premature translational stop signal (p.Lys511*) in the ALPK3 gene. It is expected to result in an absent or disrupted protein product. Loss-of-function variants in ALPK3 are known to be pathogenic (PMID: 21441111, 26846950, 27106955, 34263907). This variant is not present in population databases (gnomAD no frequency). This variant has not been reported in the literature in individuals affected with ALPK3-related conditions. For these reasons, this variant has been classified as Pathogenic.

Literature cited by the submitters: PubMed 21441111; PubMed 26846950; PubMed 27106955; PubMed 34263907.